The following is an entry in ClinVar:

ClinVar aggregate classification (germline): Conflicting classifications of pathogenicity. Review status: criteria provided, conflicting classifications (1 of 4 stars). 7 submissions from 7 submitters: Uncertain significance (3); Likely benign (3). 1 of the submissions does not count toward it. Last evaluated 2025-12-18.

Conditions:
Classic or attenuated familial adenomatous polyposis. Identifiers: MedGen CN372698, MONDO:0021057.
Hereditary cancer-predisposing syndrome. Also called: Hereditary Cancer Syndrome; Hereditary neoplastic syndrome; Neoplastic Syndromes, Hereditary; Tumor predisposition. Identifiers: Orphanet 140162, MedGen C0027672, MeSH D009386, MONDO:0015356.
Familial adenomatous polyposis 1 (FAP1). Also called: FAMILIAL ADENOMATOUS POLYPOSIS 1, ATTENUATED; POLYPOSIS, ADENOMATOUS INTESTINAL. Identifiers: MedGen C2713442, MONDO:0021056, OMIM 175100. Disease mechanism: loss of function.

Allele frequency attached by ClinVar (database versions not stated): gnomAD exomes 0.00001 and 0.00004; TOPMed 0.00001.
gnomAD v4.1: 64 of 1,614,046 alleles (0.004%); highest among the groups gnomAD compares: Non-Finnish European, 0.0053%; no homozygotes.

Submissions (7):

Labcorp Genetics (formerly Invitae), Labcorp
Classification: Uncertain significance for Familial adenomatous polyposis 1. Last evaluated: 2025-12-18. Review status: criteria provided, single submitter. Criteria: Invitae Variant Classification Sherloc (09022015). Collection method: clinical testing. Allele origin: germline.
Comment: This sequence change replaces isoleucine, which is neutral and non-polar, with threonine, which is neutral and polar, at codon 2738 of the APC protein (p.Ile2738Thr). This variant is present in population databases (no rsID available, gnomAD 0.002%). This variant has not been reported in the literature in individuals affected with APC-related conditions. ClinVar contains an entry for this variant (Variation ID: 216184). Invitae Evidence Modeling of protein sequence and biophysical properties (such as structural, functional, and spatial information, amino acid conservation, physicochemical variation, residue mobility, and thermodynamic stability) indicates that this missense variant is not expected to disrupt APC protein function with a negative predictive value of 95%. In summary, the available evidence is currently insufficient to determine the role of this variant in disease. Therefore, it has been classified as a Variant of Uncertain Significance.

All of Us Research Program, National Institutes of Health
Classification: Likely benign for Classic or attenuated familial adenomatous polyposis. Last evaluated: 2023-11-30. Review status: criteria provided, single submitter. Criteria: ACMG Guidelines, 2015. Collection method: clinical testing. Allele origin: germline. Inheritance: Autosomal dominant inheritance. Observed: 4 variant alleles, 4 heterozygotes.
Comment: This study involves interpretation of variants in research participants for the purpose of population health screening. Participant phenotype was not available at the time of variant classification. Additional details can be found in publication PMID: 35346344, PMCID: PMC8962531

Myriad Genetics, Inc.
Classification: Uncertain significance for Familial adenomatous polyposis 1. Last evaluated: 2023-02-15. Review status: criteria provided, single submitter. Criteria: Myriad Autosomal Dominant, Autosomal Recessive and X-Linked Classification Criteria (2023). Collection method: clinical testing. Allele origin: unknown.
Comment: This variant is classified as a variant of uncertain significance as there is insufficient evidence to determine its impact on protein function and/or cancer risk.

Color Diagnostics, LLC DBA Color Health
Classification: Likely benign for Hereditary cancer-predisposing syndrome. Last evaluated: 2020-02-21. Review status: criteria provided, single submitter. Criteria: ACMG Guidelines, 2015. Collection method: clinical testing. Allele origin: germline.

Ambry Genetics
Classification: Likely benign for Hereditary cancer-predisposing syndrome. Last evaluated: 2018-12-21. Review status: criteria provided, single submitter. Criteria: Ambry Variant Classification Scheme 2023. Collection method: clinical testing. Allele origin: germline.

Women's Health and Genetics/Laboratory Corporation of America, LabCorp
Classification: Uncertain significance. Last evaluated: 2018-09-07. Review status: criteria provided, single submitter. Criteria: LabCorp Variant Classification Summary - May 2015. Collection method: clinical testing. Allele origin: germline.
Comment: Variant summary: APC c.8213T>C (p.Ile2738Thr) results in a non-conservative amino acid change located in the EB-1 binding domain of the encoded protein sequence. Four of five in-silico tools predict a benign effect of the variant on protein function. The variant allele was found at a frequency of 8.1e-06 in 246018 control chromosomes (gnomAD). The available data on variant occurrences in the general population are insufficient to allow any conclusion about variant significance. c.8213T>C has been reported in the literature in an individual affected with Familial Adenomatous Polyposis (Wallis_1999), however, the patient carried another pathogenic APC variant 1122delTAA, providing supporting evidence for a benign role. To our knowledge, no experimental evidence demonstrating an impact on protein function has been reported. Four ClinVar submissions from other clinical diagnostic laboratories (evaluation after 2014) cites the variant as uncertain significance (3x) and once as likely benign. Based on the evidence outlined above, the variant was classified as VUS-possibly benign.

Counsyl
Classification: Uncertain significance for Familial adenomatous polyposis 1. Last evaluated: 2017-08-04. Review status: no assertion criteria provided. Collection method: clinical testing. Allele origin: unknown. Not counted in ClinVar's aggregate classification.

Literature cited by the submitters: PubMed 9950360 (cited by Women's Health and Genetics/Laboratory Corporation of America, LabCorp and Counsyl).

NM_000038.6(APC):c.8213T>C (p.Ile2738Thr)

Gene: APC (APC regulator of Wnt signaling pathway; plus strand). Cytogenetic location: 5q22.2.
Variant type: single nucleotide variant.
Coding change: c.8213T>C on transcript NM_000038.6 (MANE Select); coding-DNA position 8213, T replaced by C.
Protein change: p.Ile2738Thr; replaces isoleucine 2738 with threonine.
Molecular consequence: missense variant.
Genome position (GRCh38, 1-based): chr5:112,843,807, T>C. VCF-style: chr5-112843807-T-C. GRCh37 (hg19) VCF-style: chr5-112179504-T-C.
Other names: c.8213T>C, p.Ile2738Thr (NM_001127510.3, NM_001354895.2); c.8159T>C, p.Ile2720Thr (NM_001127511.3); c.8267T>C, p.Ile2756Thr (NM_001354896.2); c.8243T>C, p.Ile2748Thr (NM_001354897.2); c.8138T>C, p.Ile2713Thr (NM_001354898.2); c.8129T>C, p.Ile2710Thr (NM_001354899.2); c.8090T>C, p.Ile2697Thr (NM_001354900.2); c.8036T>C, p.Ile2679Thr (NM_001354901.2); and 5 more; short protein forms I2720T, I2738T, I2455T, I2679T, I2647T, I2710T, I2578T, I2697T.
Identifiers: ClinVar variation 216184 (VCV000216184.21), dbSNP rs863224552, ClinGen allele CA336116.
Genomic context (GRCh38, chr5:112,843,807, plus strand): 5'-TGGAAAATCGCCTGAACTCCTTTATTCAGGTGGATGCCCCTGACCAAAAAGGAACTGAGA[T>C]AAAACCAGGACAAAATAATCCTGTCCCTGTATCAGAGACTAATGAAAGTTCTATAGTGGA-3'
Protein context (NP_000029.2, residues 2728-2748): VDAPDQKGTE[Ile2738Thr]KPGQNNPVPV